The following is an entry in ClinVar:

ClinVar aggregate classification (germline): Uncertain significance. Review status: criteria provided, multiple submitters, no conflicts (2 of 4 stars). 2 submissions from 2 submitters: Uncertain significance (2). Last evaluated 2022-02-09.

Conditions:
Thrombophilia due to protein S deficiency, autosomal recessive (THPH6). Identifiers: Orphanet 743, MedGen C3281092, MONDO:0013791, OMIM 614514. Disease mechanism: loss of function.
Thrombophilia due to protein S deficiency, autosomal dominant (THPH5). Identifiers: Orphanet 26349, Orphanet 743, MedGen C3278211, MONDO:0012868, OMIM 612336. Disease mechanism: loss of function.

Allele frequency attached by ClinVar (database versions not stated): gnomAD exomes 0.00002 and 0.00004; TOPMed 0.00002; gnomAD 0.00003; ExAC 0.00004.
gnomAD v4.1: 40 of 1,613,720 alleles (0.0025%); highest among the groups gnomAD compares: Middle Eastern, 0.017%; no homozygotes.

Submissions (2):

Fulgent Genetics
Classification: Uncertain significance for Thrombophilia due to protein S deficiency, autosomal dominant; Thrombophilia due to protein S deficiency, autosomal recessive. Last evaluated: 2022-02-09. Review status: criteria provided, single submitter. Criteria: ACMG Guidelines, 2015. Collection method: clinical testing. Allele origin: unknown.

Labcorp Genetics (formerly Invitae), Labcorp
Classification: Uncertain significance for Thrombophilia due to protein S deficiency, autosomal recessive. Last evaluated: 2021-08-24. Review status: criteria provided, single submitter. Criteria: Invitae Variant Classification Sherloc (09022015). Collection method: clinical testing. Allele origin: germline.
Comment: This sequence change replaces glutamic acid with lysine at codon 230 of the PROS1 protein (p.Glu230Lys). The glutamic acid residue is moderately conserved and there is a small physicochemical difference between glutamic acid and lysine. This variant is present in population databases (rs575777099, ExAC 0.01%). This missense change has been observed in individual(s) with a suspicion of protein S deficiency (PMID: 26466767). Algorithms developed to predict the effect of missense changes on protein structure and function output the following: SIFT: "Tolerated"; PolyPhen-2: "Benign"; Align-GVGD: "Class C0". The lysine amino acid residue is found in multiple mammalian species, which suggests that this missense change does not adversely affect protein function. In summary, the available evidence is currently insufficient to determine the role of this variant in disease. Therefore, it has been classified as a Variant of Uncertain Significance.

Literature cited by the submitters: PubMed 26466767 (cited by Labcorp Genetics (formerly Invitae), Labcorp).

NM_000313.4(PROS1):c.688G>A (p.Glu230Lys)

Gene: PROS1 (protein S; minus strand). Cytogenetic location: 3q11.1.
Variant type: single nucleotide variant.
Coding change: c.688G>A on transcript NM_000313.4 (MANE Select); coding-DNA position 688, G replaced by A.
Protein change: p.Glu230Lys; replaces glutamic acid 230 with lysine.
Molecular consequence: missense variant.
Genome position (GRCh38, 1-based): chr3:93,900,843, C>T on the plus strand (G>A on the coding strand, the complement: PROS1 is on the minus strand). VCF-style: chr3-93900843-C-T. GRCh37 (hg19) VCF-style: chr3-93619687-C-T.
Other names: c.784G>A, p.Glu262Lys (NM_001314077.2); short protein forms E230K, E262K.
Identifiers: ClinVar variation 859291 (VCV000859291.5), dbSNP rs575777099, ClinGen allele CA2503410.